The following is an entry in ClinVar:

NM_005228.5(EGFR):c.2524A>G (p.Asn842Asp)

Gene: EGFR (epidermal growth factor receptor; plus strand). Cytogenetic location: 7p11.2.
Variant type: single nucleotide variant.
Coding change: c.2524A>G on transcript NM_005228.5 (MANE Select); coding-DNA position 2524, A replaced by G.
Protein change: p.Asn842Asp; replaces asparagine 842 with aspartic acid.
Molecular consequence: missense variant.
Genome position (GRCh38, 1-based): chr7:55,191,773, A>G. VCF-style: chr7-55191773-A-G. GRCh37 (hg19) VCF-style: chr7-55259466-A-G.
Other names: c.2389A>G, p.Asn797Asp (NM_001346897.2, NM_001346899.2); c.2524A>G, p.Asn842Asp (NM_001346898.2); c.2365A>G, p.Asn789Asp (NM_001346900.2); c.1723A>G, p.Asn575Asp (NM_001346941.2); short protein forms N575D, N797D, N789D, N842D.
Identifiers: ClinVar variation 1512313 (VCV001512313.8), dbSNP rs1003269794, ClinGen allele CA158934194.

ClinVar aggregate classification (germline): Uncertain significance (1 of 4 stars; one submission).

Conditions:
EGFR-related lung cancer (EGFR). Identifiers: MedGen CN130014.

Submission:

Labcorp Genetics (formerly Invitae), Labcorp
Classification: Uncertain significance for EGFR-related lung cancer. Last evaluated: 2021-02-20. Review status: criteria provided, single submitter. Criteria: Invitae Variant Classification Sherloc (09022015). Collection method: clinical testing. Allele origin: germline.
Comment: This sequence change replaces asparagine with aspartic acid at codon 842 of the EGFR protein (p.Asn842Asp). The asparagine residue is highly conserved and there is a small physicochemical difference between asparagine and aspartic acid. This variant is not present in population databases (ExAC no frequency). This variant has not been reported in the literature in individuals with EGFR-related conditions. Algorithms developed to predict the effect of missense changes on protein structure and function are either unavailable or do not agree on the potential impact of this missense change (SIFT: "Deleterious"; PolyPhen-2: "Probably Damaging"; Align-GVGD: "Class C0"). In summary, the available evidence is currently insufficient to determine the role of this variant in disease. Therefore, it has been classified as a Variant of Uncertain Significance.